The following is an entry in ClinVar:

ClinVar aggregate classification (germline): Uncertain significance (1 of 4 stars; one submission).

Submission:

GeneDx
Classification: Uncertain significance. Last evaluated: 2025-07-11. Review status: criteria provided, single submitter. Criteria: GeneDx Variant Classification Process June 2021. Collection method: clinical testing. Allele origin: germline. Affected: yes.
Comment: Not observed at significant frequency in large population cohorts (gnomAD); In silico analysis suggests that this missense variant does not alter protein structure/function; Has not been previously published as pathogenic or benign to our knowledge

NM_138694.4(PKHD1):c.2127C>G (p.Asp709Glu)

Gene: PKHD1 (PKHD1 ciliary IPT domain containing fibrocystin/polyductin; minus strand). Cytogenetic location: 6p12.2.
Variant type: single nucleotide variant.
Coding change: c.2127C>G on transcript NM_138694.4 (MANE Select); coding-DNA position 2127, C replaced by G.
Protein change: p.Asp709Glu; replaces aspartic acid 709 with glutamic acid.
Molecular consequence: missense variant.
Genome position (GRCh38, 1-based): chr6:52,053,089, G>C on the plus strand (C>G on the coding strand, the complement: PKHD1 is on the minus strand). VCF-style: chr6-52053089-G-C. GRCh37 (hg19) VCF-style: chr6-51917887-G-C.
Other names: c.2127C>G, p.Asp709Glu (NM_170724.3); short protein forms D709E.
Identifiers: ClinVar variation 4685224 (VCV004685224.1).